The following is an entry in ClinVar:

ClinVar aggregate classification (germline): Uncertain significance (1 of 4 stars; one submission).

Conditions:
Fanconi anemia (FA). Also called: Fanconi's anemia. Identifiers: Orphanet 84, MedGen C0015625, MeSH D005199, MONDO:0019391.

Allele frequency attached by ClinVar (database versions not stated): gnomAD exomes below 0.00001; TOPMed below 0.00001.
gnomAD v4.1: 2 of 1,614,172 alleles (0.00012%); highest among the groups gnomAD compares: East Asian, 0.0045%; no homozygotes.

Submission:

Labcorp Genetics (formerly Invitae), Labcorp
Classification: Uncertain significance for Fanconi anemia. Last evaluated: 2021-08-30. Review status: criteria provided, single submitter. Criteria: Invitae Variant Classification Sherloc (09022015). Collection method: clinical testing. Allele origin: germline.
Comment: This sequence change replaces aspartic acid with glycine at codon 887 of the FANCA protein (p.Asp887Gly). The aspartic acid residue is weakly conserved and there is a moderate physicochemical difference between aspartic acid and glycine. This variant is not present in population databases (ExAC no frequency). This variant has not been reported in the literature in individuals affected with FANCA-related conditions. Advanced modeling of protein sequence and biophysical properties (such as structural, functional, and spatial information, amino acid conservation, physicochemical variation, residue mobility, and thermodynamic stability) performed at Invitae indicates that this missense variant is not expected to disrupt FANCA protein function. In summary, the available evidence is currently insufficient to determine the role of this variant in disease. Therefore, it has been classified as a Variant of Uncertain Significance.

NM_000135.4(FANCA):c.2660A>G (p.Asp887Gly)

Genes: FANCA (FA complementation group A; minus strand), LOC130059837 (ATAC-STARR-seq lymphoblastoid active region 11420; plus strand). Cytogenetic location: 16q24.3.
Variant type: single nucleotide variant.
Coding change: c.2660A>G on transcript NM_000135.4 (MANE Select); coding-DNA position 2660, A replaced by G.
Protein change: p.Asp887Gly; replaces aspartic acid 887 with glycine.
Molecular consequence: missense variant.
Genome position (GRCh38, 1-based): chr16:89,765,008, T>C on the plus strand (A>G on the coding strand, the complement: FANCA is on the minus strand). VCF-style: chr16-89765008-T-C. GRCh37 (hg19) VCF-style: chr16-89831416-T-C.
Other names: c.2660A>G, p.Asp887Gly (NM_001286167.3); short protein forms D887G.
Identifiers: ClinVar variation 1438407 (VCV001438407.5), dbSNP rs1222220230, ClinGen allele CA397438664.
Genomic context (GRCh38, chr16:89,765,008, plus strand): 5'-GCAGCTCTCTGCCAGTCTGCAGAAGGAAGGTGCAAGGGTCTCCAGGAAAGGCTGGCTACG[T>C]CCTCCTCAGAAAGAGGCTGTCGGGCCTCTGAGAACAATCTGAACATGAGGAACTGAAACT-3'
Protein context (NP_000126.2, residues 877-897): SEARQPLSEE[Asp887Gly]VASLSWRPLH